The following is an entry in ClinVar:

ClinVar aggregate classification (germline): Uncertain significance (1 of 4 stars; one submission).

Submission:

GeneDx
Classification: Uncertain significance. Last evaluated: 2026-04-02. Review status: criteria provided, single submitter. Criteria: GeneDx Variant Classification Process June 2021. Collection method: clinical testing. Allele origin: germline.
Comment: Not observed at significant frequency in large population cohorts (gnomAD); In silico analysis supports that this missense variant has a deleterious effect on protein structure/function; Has not been previously published as pathogenic or benign to our knowledge

NM_005045.4(RELN):c.9773G>A (p.Cys3258Tyr)

Genes: SLC26A5-AS1 (SLC26A5 antisense RNA 1; plus strand), RELN (reelin; minus strand). Cytogenetic location: 7q22.1.
Variant type: single nucleotide variant.
Coding change: c.9773G>A on transcript NM_005045.4 (MANE Select); coding-DNA position 9773, G replaced by A.
Protein change: p.Cys3258Tyr; replaces cysteine 3258 with tyrosine.
Molecular consequence: missense variant.
Genome position (GRCh38, 1-based): chr7:103,486,407, C>T on the plus strand (G>A on the coding strand, the complement: RELN is on the minus strand). VCF-style: chr7-103486407-C-T. GRCh37 (hg19) VCF-style: chr7-103126854-C-T.
Other names: c.9773G>A, p.Cys3258Tyr (NM_173054.3); short protein forms C3258Y.
Identifiers: ClinVar variation 5016734 (VCV005016734.1).